The following is an entry in ClinVar:

NM_003482.4(KMT2D):c.2313C>T (p.Ser771=)

Gene: KMT2D (lysine methyltransferase 2D; minus strand). Cytogenetic location: 12q13.12.
Variant type: single nucleotide variant.
Coding change: c.2313C>T on transcript NM_003482.4 (MANE Select); coding-DNA position 2313, C replaced by T.
Protein change: p.Ser771=; no amino-acid change (serine 771 retained).
Molecular consequence: synonymous variant.
Genome position (GRCh38, 1-based): chr12:49,051,370, G>A on the plus strand (C>T on the coding strand, the complement: KMT2D is on the minus strand). VCF-style: chr12-49051370-G-A. GRCh37 (hg19) VCF-style: chr12-49445153-G-A.
Identifiers: ClinVar variation 3030022 (VCV003030022.3), dbSNP rs777845004, ClinGen allele CA479715011.

ClinVar aggregate classification (germline): Likely benign. Review status: criteria provided, single submitter (1 of 4 stars). 2 submissions from 2 submitters: Likely benign (1). 1 of the submissions does not count toward it. Last evaluated 2025-06-02.

Conditions:
KMT2D-related disorder. Also called: KMT2D-Related Disorders.
Kabuki syndrome. Also called: NIIKAWA-KUROKI SYNDROME; Kabuki make-up syndrome. Identifiers: Orphanet 2322, MedGen C0796004, MONDO:0016512.

Submissions (2):

Labcorp Genetics (formerly Invitae), Labcorp
Classification: Likely benign for Kabuki syndrome. Last evaluated: 2025-06-02. Review status: criteria provided, single submitter. Criteria: Invitae Variant Classification Sherloc (09022015). Collection method: clinical testing. Allele origin: germline.

PreventionGenetics, part of Exact Sciences
Classification: Likely benign for KMT2D-related condition. Last evaluated: 2021-03-02. Review status: no assertion criteria provided. Collection method: clinical testing. Allele origin: germline. Not counted in ClinVar's aggregate classification.
Comment: This variant is classified as likely benign based on ACMG/AMP sequence variant interpretation guidelines (Richards et al. 2015 PMID: 25741868, with internal and published modifications).